The following is an entry in ClinVar:

ClinVar aggregate classification (germline): Pathogenic (1 of 4 stars; one submission).

Conditions:
Multiple endocrine neoplasia, type 1 (MEN1). Also called: Endocrine adenomatosis multiple; MEN 1; MEA I; MEN I; WERMER SYNDROME. Identifiers: Orphanet 652, MedGen C0025267, MeSH D018761, MONDO:0007540, OMIM 131100.

Submission:

Labcorp Genetics (formerly Invitae), Labcorp
Classification: Pathogenic for Multiple endocrine neoplasia, type 1. Last evaluated: 2023-11-01. Review status: criteria provided, single submitter. Criteria: Invitae Variant Classification Sherloc (09022015). Collection method: clinical testing. Allele origin: germline.
Comment: This sequence change creates a premature translational stop signal (p.Tyr353*) in the MEN1 gene. It is expected to result in an absent or disrupted protein product. Loss-of-function variants in MEN1 are known to be pathogenic (PMID: 12112656, 17853334). This variant is not present in population databases (gnomAD no frequency). This premature translational stop signal has been observed in individual(s) with MEN1-related conditions (PMID: 9439676). For these reasons, this variant has been classified as Pathogenic.

Literature cited by the submitters: PubMed 12112656; PubMed 17853334; PubMed 9439676.

NM_001370259.2(MEN1):c.1059C>A (p.Tyr353Ter)

Gene: MEN1 (menin 1; minus strand). Cytogenetic location: 11q13.1.
Variant type: single nucleotide variant.
Coding change: c.1059C>A on transcript NM_001370259.2 (MANE Select); coding-DNA position 1059, C replaced by A.
Protein change: p.Tyr353Ter; replaces tyrosine 353 with a stop codon.
Molecular consequence: nonsense. On other transcripts: non-coding transcript variant (4).
Genome position (GRCh38, 1-based): chr11:64,805,761, G>T on the plus strand (C>A on the coding strand, the complement: MEN1 is on the minus strand). VCF-style: chr11-64805761-G-T. GRCh37 (hg19) VCF-style: chr11-64573233-G-T.
Other names: c.1074C>A, p.Tyr358Ter (NM_000244.4, NM_001407145.1, NM_130800.3 and 4 more transcripts); c.1185C>A, p.Tyr395Ter (NM_001370251.2, NM_001407142.1, NM_001407143.1 and 1 more transcripts); c.1059C>A, p.Tyr353Ter (NM_001370260.2, NM_001370261.2, NM_001407146.1 and 3 more transcripts); c.954C>A, p.Tyr318Ter (NM_001370262.2, NM_001370263.2, NM_001407148.1 and 1 more transcripts); c.1200C>A, p.Tyr400Ter (NM_001407150.1); c.1080C>A, p.Tyr360Ter (NM_001407151.1); short protein forms Y400*, Y318*, Y360*, Y358*, Y395*, Y353*.
Identifiers: ClinVar variation 2735651 (VCV002735651.3), dbSNP rs1592640846, ClinGen allele CA381182950.